The following is an entry in ClinVar:

NM_021118.3(CYLC1):c.912G>A (p.Lys304=)

Gene: CYLC1 (cylicin 1; plus strand). Cytogenetic location: Xq21.1.
Variant type: single nucleotide variant.
Coding change: c.912G>A on transcript NM_021118.3 (MANE Select); coding-DNA position 912, G replaced by A.
Protein change: p.Lys304=; no amino-acid change (lysine 304 retained).
Molecular consequence: synonymous variant. On other transcripts: intron variant (1).
Genome position (GRCh38, 1-based): chrX:83,873,620, G>A. VCF-style: chrX-83873620-G-A. GRCh37 (hg19) VCF-style: chrX-83128628-G-A.
Other names: c.174+2050G>A (NM_001271680.2).
Identifiers: ClinVar variation 2660995 (VCV002660995.24), dbSNP rs2520087335, ClinGen allele CA517479678.
Genomic context (GRCh38, chrX:83,873,620, plus strand): 5'-AAAGAAGGACACAAAAAAGAATGCAAAGAAAAGCTCTGATGCTGAATCTGAAGACTCAAA[G>A]GATGCTAAGAAAGATTCAAAGAAAGTTAAGAAAAATGTCAAGAAAGATGACAAGAAAAAG-3'
Protein context (NP_066941.1, residues 294-314): KSSDAESEDS[Lys304=]DAKKDSKKVK

ClinVar aggregate classification (germline): Likely benign (1 of 4 stars; one submission).

Submission:

CeGaT Center for Human Genetics Tuebingen
Classification: Likely benign. Last evaluated: 2022-05-01. Review status: criteria provided, single submitter. Criteria: CeGaT Center For Human Genetics Tuebingen Variant Classification Criteria Version 2. Collection method: clinical testing. Allele origin: germline. Affected: yes. Observed: 1 variant allele.
Comment: CYLC1: PM2:Supporting, BP4, BP7